The following is an entry in ClinVar:

NM_025137.4(SPG11):c.1108G>A (p.Glu370Lys)

Gene: SPG11 (SPG11 vesicle trafficking associated, spatacsin; minus strand). Cytogenetic location: 15q21.1.
Variant type: single nucleotide variant.
Coding change: c.1108G>A on transcript NM_025137.4 (MANE Select); coding-DNA position 1108, G replaced by A.
Protein change: p.Glu370Lys; replaces glutamic acid 370 with lysine.
Molecular consequence: missense variant.
Genome position (GRCh38, 1-based): chr15:44,651,839, C>T on the plus strand (G>A on the coding strand, the complement: SPG11 is on the minus strand). VCF-style: chr15-44651839-C-T. GRCh37 (hg19) VCF-style: chr15-44944037-C-T.
Other names: c.1108G>A, p.Glu370Lys (NM_001160227.2); short protein forms E370K.
Identifiers: ClinVar variation 220565 (VCV000220565.54), dbSNP rs77697105, ClinGen allele CA350580.

ClinVar aggregate classification (germline): Benign/Likely benign. Review status: criteria provided, multiple submitters, no conflicts (2 of 4 stars). 19 submissions from 16 submitters: Benign (7); Likely benign (7). 5 of the submissions do not count toward it. Last evaluated 2026-10-01.

Conditions:
Charcot-Marie-Tooth disease axonal type 2X. Also called: CHARCOT-MARIE-TOOTH DISEASE, AXONAL, AUTOSOMAL RECESSIVE, TYPE 2X; CHARCOT-MARIE-TOOTH NEUROPATHY, TYPE 2X. Identifiers: Orphanet 466775, MedGen C5569024, MONDO:0014726, OMIM 616668.
Amyotrophic lateral sclerosis type 5 (ALS5). Also called: AMYOTROPHIC LATERAL SCLEROSIS 5, JUVENILE. Identifiers: Orphanet 300605, MedGen C1865864, MONDO:0011196, OMIM 602099.
Hereditary spastic paraplegia. Also called: Familial spastic paraparesis. Identifiers: Orphanet 685, MedGen C0037773, MONDO:0019064. Disease mechanism: loss of function.
Hereditary spastic paraplegia 11. Also called: SPASTIC PARAPLEGIA, AUTOSOMAL RECESSIVE, COMPLICATED, WITH THIN CORPUS CALLOSUM; SPASTIC PARAPLEGIA, AUTOSOMAL RECESSIVE, WITH MENTAL IMPAIRMENT AND THIN CORPUS CALLOSUM; Spastic Paraplegia 11; Nakamura Osame syndrome; Autosomal recessive hereditary spastic paraplegia, mental impairment, and thin corpus callosum; Spastic paraplegia, mental retardation and thin corpus callosum. Identifiers: Orphanet 2822, MedGen C1858479, MONDO:0011445, OMIM 604360.

Allele frequency attached by ClinVar (database versions not stated): 1000 Genomes Project 0.00559; 1000 Genomes Project 30x 0.00593; TOPMed 0.01249; ESP Exome Variant Server 0.01462; gnomAD 0.01632 and 0.01678; ExAC 0.01674; gnomAD exomes 0.01707 and 0.01824.
gnomAD v4.1: 29,064 of 1,613,924 alleles (1.8%); highest among the groups gnomAD compares: Middle Eastern, 2.9%; 344 homozygotes.

Submissions (19):

CeGaT Center for Human Genetics Tuebingen
Classification: Benign. Last evaluated: 2026-10-01. Review status: criteria provided, single submitter. Criteria: CeGaT Center For Human Genetics Tuebingen Variant Classification Criteria Version 2. Collection method: clinical testing. Allele origin: germline. Affected: yes. Observed: 174 variant alleles.
Comment: SPG11: BP4, BS1, BS2

Labcorp Genetics (formerly Invitae), Labcorp
Classification: Benign for Hereditary spastic paraplegia 11. Last evaluated: 2026-02-04. Review status: criteria provided, single submitter. Criteria: Invitae Variant Classification Sherloc (09022015). Collection method: clinical testing. Allele origin: germline.

Blueprint Genetics
Classification: Likely benign. Last evaluated: 2024-11-27. Review status: criteria provided, single submitter. Criteria: ACMG Guidelines, 2015. Collection method: clinical testing. Allele origin: germline.

Women's Health and Genetics/Laboratory Corporation of America, LabCorp
Classification: Likely benign. Last evaluated: 2021-12-10. Review status: criteria provided, single submitter. Criteria: LabCorp Variant Classification Summary - May 2015. Collection method: clinical testing. Allele origin: germline.

Genome Diagnostics Laboratory, The Hospital for Sick Children
Classification: Benign for Hereditary spastic paraplegia. Last evaluated: 2021-08-30. Review status: criteria provided, single submitter. Criteria: ACMG Guidelines, 2015. Collection method: clinical testing. Allele origin: germline. Affected: yes.

Illumina Laboratory Services, Illumina
Classification: Likely benign for Hereditary spastic paraplegia 11. Last evaluated: 2018-01-12. Review status: criteria provided, single submitter. Criteria: ICSL Variant Classification Criteria 13 December 2019. Collection method: clinical testing. Allele origin: germline.
Comment: This variant was observed in the ICSL laboratory as part of a predisposition screen in an ostensibly healthy population. It had not been previously curated by ICSL or reported in the Human Gene Mutation Database (HGMD: prior to June 1st, 2018), and was therefore a candidate for classification through an automated scoring system. Utilizing variant allele frequency, disease prevalence and penetrance estimates, and inheritance mode, an automated score was calculated to assess if this variant is too frequent to cause the disease. Based on the score and internal cut-off values, a variant classified as likely benign is not then subjected to further curation. The score for this variant resulted in a classification of likely benign for this disease.

Athena Diagnostics
Classification: Benign. Last evaluated: 2017-07-31. Review status: criteria provided, single submitter. Criteria: Athena Diagnostics Criteria. Collection method: clinical testing. Allele origin: germline.

Mayo Clinic Laboratories, Mayo Clinic
Classification: Benign. Last evaluated: 2016-05-26. Review status: criteria provided, single submitter. Criteria: ACMG Guidelines, 2015. Collection method: clinical testing. Allele origin: germline. Observed: 124 variant alleles.

GeneDx
Classification: Benign. Last evaluated: 2016-04-22. Review status: criteria provided, single submitter. Criteria: GeneDx Variant Classification (06012015). Collection method: clinical testing. Allele origin: germline. Affected: yes.
Comment: This variant is considered likely benign or benign based on one or more of the following criteria: it is a conservative change, it occurs at a poorly conserved position in the protein, it is predicted to be benign by multiple in silico algorithms, and/or has population frequency not consistent with disease.

Genome Diagnostics Laboratory, University Medical Center Utrecht
Classification: Benign for Hereditary spastic paraplegia 11. Last evaluated: 2014-10-09. Review status: criteria provided, single submitter. Criteria: ACGS Guidelines, 2013. Collection method: clinical testing. Allele origin: germline. Affected: yes. Study: VKGL Data-share Consensus.

Breakthrough Genomics
Classification: Likely benign. Review status: criteria provided, single submitter. Criteria: ACMG Guidelines, 2015. Collection method: not provided. Allele origin: germline. Inheritance: Autosomal recessive inheritance. Affected: yes.

Genome-Nilou Lab
Classification: Likely benign for Amyotrophic lateral sclerosis type 5. Review status: criteria provided, single submitter. Criteria: ACMG Guidelines, 2015. Collection method: clinical testing. Allele origin: germline.

Genome-Nilou Lab
Classification: Likely benign for Charcot-Marie-Tooth disease axonal type 2X. Review status: criteria provided, single submitter. Criteria: ACMG Guidelines, 2015. Collection method: clinical testing. Allele origin: germline.

Genome-Nilou Lab
Classification: Likely benign for Hereditary spastic paraplegia 11. Review status: criteria provided, single submitter. Criteria: ACMG Guidelines, 2015. Collection method: clinical testing. Allele origin: germline.

Genome Diagnostics Laboratory, Amsterdam University Medical Center
Classification: Likely benign for Hereditary spastic paraplegia 11. Last evaluated: 2016-07-15. Review status: no assertion criteria provided. Criteria: ACGS Guidelines, 2013. Collection method: clinical testing. Allele origin: germline. Affected: yes. Study: VKGL Data-share Consensus. Not counted in ClinVar's aggregate classification.

Clinical Genetics, Academic Medical Center
Classification: Benign. Review status: no assertion criteria provided. Collection method: clinical testing. Allele origin: germline. Affected: yes. Study: VKGL Data-share Consensus. Not counted in ClinVar's aggregate classification.

Genome Diagnostics Laboratory, Amsterdam University Medical Center
Classification: Benign. Review status: no assertion criteria provided. Collection method: clinical testing. Allele origin: germline. Affected: yes. Study: VKGL Data-share Consensus. Not counted in ClinVar's aggregate classification.

Joint Genome Diagnostic Labs from Nijmegen and Maastricht, Radboudumc and MUMC+
Classification: Benign. Review status: no assertion criteria provided. Collection method: clinical testing. Allele origin: germline. Affected: yes. Study: VKGL Data-share Consensus. Not counted in ClinVar's aggregate classification.

Laboratory of Diagnostic Genome Analysis, Leiden University Medical Center (LUMC)
Classification: Likely benign. Review status: no assertion criteria provided. Collection method: clinical testing. Allele origin: germline. Affected: yes. Study: VKGL Data-share Consensus. Not counted in ClinVar's aggregate classification.